The following is an entry in ClinVar:

NM_004369.4(COL6A3):c.7502G>T (p.Arg2501Leu)

Gene: COL6A3 (collagen type VI alpha 3 chain; minus strand). Cytogenetic location: 2q37.3.
Variant type: single nucleotide variant.
Coding change: c.7502G>T on transcript NM_004369.4 (MANE Select); coding-DNA position 7502, G replaced by T.
Protein change: p.Arg2501Leu; replaces arginine 2501 with leucine.
Molecular consequence: missense variant.
Genome position (GRCh38, 1-based): chr2:237,344,516, C>A on the plus strand (G>T on the coding strand, the complement: COL6A3 is on the minus strand). VCF-style: chr2-237344516-C-A. GRCh37 (hg19) VCF-style: chr2-238253159-C-A.
Other names: c.5681G>T, p.Arg1894Leu (NM_057166.5); c.6884G>T, p.Arg2295Leu (NM_057167.4); short protein forms R2295L, R2501L, R1894L.
Identifiers: ClinVar variation 3698456 (VCV003698456.2).
Genomic context (GRCh38, chr2:237,344,516, plus strand): 5'-CTTGTGGGTGTGTTGCTGAAGAAAACAGCCACTTTCCTCATTAGGAATCCGTTCCTCACA[C>A]GCTTAAATGTGTTCCTGGCCACAAACGACATGGCAGTCTCCAGACTCTGCTGTTTGGATG-3'
Protein context (NP_004360.2, residues 2491-2511): MSFVARNTFK[Arg2501Leu]VRNGFLMRKV

ClinVar aggregate classification (germline): Uncertain significance (1 of 4 stars; one submission).

Conditions:
Bethlem myopathy 1A. Also called: MYOPATHY, BENIGN CONGENITAL, WITH CONTRACTURES; Bethlem myopathy 1; Bethlem Muscular Dystrophy. Identifiers: Orphanet 610, MedGen CN029274, MONDO:0024530, OMIM 158810.

Submission:

Labcorp Genetics (formerly Invitae), Labcorp
Classification: Uncertain significance for Bethlem myopathy 1A. Last evaluated: 2024-11-03. Review status: criteria provided, single submitter. Criteria: Invitae Variant Classification Sherloc (09022015). Collection method: clinical testing. Allele origin: germline.
Comment: This sequence change replaces arginine, which is basic and polar, with leucine, which is neutral and non-polar, at codon 2501 of the COL6A3 protein (p.Arg2501Leu). This variant is not present in population databases (gnomAD no frequency). This variant has not been reported in the literature in individuals affected with COL6A3-related conditions. Invitae Evidence Modeling of protein sequence and biophysical properties (such as structural, functional, and spatial information, amino acid conservation, physicochemical variation, residue mobility, and thermodynamic stability) indicates that this missense variant is expected to disrupt COL6A3 protein function with a positive predictive value of 80%. This variant disrupts the p.Arg2501 amino acid residue in COL6A3. Other variant(s) that disrupt this residue have been determined to be pathogenic (PMID: 26004199; internal data). This suggests that this residue is clinically significant, and that variants that disrupt this residue are likely to be disease-causing. In summary, the available evidence is currently insufficient to determine the role of this variant in disease. Therefore, it has been classified as a Variant of Uncertain Significance.

Literature cited by the submitters: PubMed 26004199.